The following is an entry in ClinVar:

NM_007194.4(CHEK2):c.1036C>A (p.Arg346Ser)

Gene: CHEK2 (checkpoint kinase 2; minus strand). Cytogenetic location: 22q12.1.
Variant type: single nucleotide variant.
Coding change: c.1036C>A on transcript NM_007194.4 (MANE Select); coding-DNA position 1036, C replaced by A.
Protein change: p.Arg346Ser; replaces arginine 346 with serine.
Molecular consequence: missense variant. On other transcripts: intron variant (3).
Genome position (GRCh38, 1-based): chr22:28,696,960, G>T on the plus strand (C>A on the coding strand, the complement: CHEK2 is on the minus strand). VCF-style: chr22-28696960-G-T. GRCh37 (hg19) VCF-style: chr22-29092948-G-T.
Other names: c.1165C>A, p.Arg389Ser (NM_001005735.3); c.373C>A, p.Arg125Ser (NM_001257387.3, NM_001437942.1); c.835C>A, p.Arg279Ser (NM_001349956.3); c.1129C>A, p.Arg377Ser (NM_001438293.1); c.1009-1087C>A (NM_145862.3); c.1102-1087C>A (NM_001438295.1); c.1138-1087C>A (NM_001438294.1); short protein forms R125S, R279S, R346S, R389S, R377S.
Identifiers: ClinVar variation 645557 (VCV000645557.14), dbSNP rs201206424, ClinGen allele CA16020690.
Genomic context (GRCh38, chr22:28,696,960, plus strand): 5'-CCTTTATAAGACAGTCCTCTTCTTGAGATGACAGTAAAACATTCTCTGGCTTTAAGTCAC[G>T]GTGTATAATACCGTTTTCATGAAGGTACTACACAGAAAGGCAGGCATGACCCTCAGATTC-3'
Protein context (NP_009125.1, residues 336-356): QYLHENGIIH[Arg346Ser]DLKPENVLLS

ClinVar aggregate classification (germline): Uncertain significance. Review status: criteria provided, multiple submitters, no conflicts (2 of 4 stars). 2 submissions from 2 submitters: Uncertain significance (2). Last evaluated 2023-11-14.

Conditions:
Hereditary cancer-predisposing syndrome. Also called: Hereditary Cancer Syndrome; Tumor predisposition; Hereditary neoplastic syndrome; Neoplastic Syndromes, Hereditary. Identifiers: Orphanet 140162, MedGen C0027672, MeSH D009386, MONDO:0015356.
Familial cancer of breast. Also called: hereditary breast carcinoma; Hereditary breast cancer; BREAST CANCER, FAMILIAL. Identifiers: Orphanet 227535, MedGen C0346153, MONDO:0016419, OMIM 114480. Disease mechanism: loss of function.

Submissions (2):

Ambry Genetics
Classification: Uncertain significance for Hereditary cancer-predisposing syndrome. Last evaluated: 2023-11-14. Review status: criteria provided, single submitter. Criteria: Ambry Variant Classification Scheme 2023. Collection method: clinical testing. Allele origin: germline.
Comment: The p.R346S variant (also known as c.1036C>A), located in coding exon 9 of the CHEK2 gene, results from a C to A substitution at nucleotide position 1036. The arginine at codon 346 is replaced by serine, an amino acid with dissimilar properties. This variant was observed in a study of 1010 unrelated Indian patients with breast and/or ovarian cancer (Singh J et al. Breast Cancer Res. Treat., 2018 Jul;170:189-196). This alteration was reported as functionally impaired in a study assessing CHEK2-complementation through quantification of KAP1 phosphorylation and CHK2 autophosphorylation in human RPE1-CHEK2-knockout cells (Stolarova L et al. Clin Cancer Res, 2023 Aug;29:3037-3050). This amino acid position is highly conserved in available vertebrate species. In addition, this alteration is predicted to be deleterious by in silico analysis. Since supporting evidence is limited at this time, the clinical significance of this alteration remains unclear.

Labcorp Genetics (formerly Invitae), Labcorp
Classification: Uncertain significance for Familial cancer of breast. Last evaluated: 2023-08-10. Review status: criteria provided, single submitter. Criteria: Invitae Variant Classification Sherloc (09022015). Collection method: clinical testing. Allele origin: germline.
Comment: In summary, the available evidence is currently insufficient to determine the role of this variant in disease. Therefore, it has been classified as a Variant of Uncertain Significance. This sequence change replaces arginine, which is basic and polar, with serine, which is neutral and polar, at codon 346 of the CHEK2 protein (p.Arg346Ser). This variant is not present in population databases (gnomAD no frequency). This missense change has been observed in individual(s) with clinical features of CHEK2-related conditions (PMID: 29470806). ClinVar contains an entry for this variant (Variation ID: 645557). An algorithm developed to predict the effect of missense changes on protein structure and function (PolyPhen-2) suggests that this variant is likely to be disruptive.

Literature cited by the submitters: PubMed 29470806 (cited by Ambry Genetics and Labcorp Genetics (formerly Invitae), Labcorp); PubMed 37449874 (cited by Ambry Genetics).